The following is an entry in ClinVar:

ClinVar aggregate classification (germline): Uncertain significance. Review status: criteria provided, multiple submitters, no conflicts (2 of 4 stars). 3 submissions from 3 submitters: Uncertain significance (3). Last evaluated 2026-01-14.

Conditions:
Primary dilated cardiomyopathy (DCM). Also called: Dilated Cardiomyopathy. Identifiers: Orphanet 217604, MedGen C0007193, MeSH D002311, MONDO:0005021, HP:0001644. Inheritance: Various modes of inheritance.
Hypertrophic cardiomyopathy. Also called: HYPERTROPHIC MYOCARDIOPATHY. Identifiers: Orphanet 217569, MedGen C0007194, MeSH D002312, MONDO:0005045, HP:0001639.

Allele frequency attached by ClinVar (database versions not stated): ESP Exome Variant Server 0.00008; gnomAD 0.00003; ExAC 0.00004; TOPMed 0.00008.
gnomAD v4.1: 76 of 1,614,000 alleles (0.0047%); highest among the groups gnomAD compares: African/African-American, 0.008%; no homozygotes.

Submissions (3):

Labcorp Genetics (formerly Invitae), Labcorp
Classification: Uncertain significance for Hypertrophic cardiomyopathy; Primary dilated cardiomyopathy. Last evaluated: 2026-01-14. Review status: criteria provided, single submitter. Criteria: Invitae Variant Classification Sherloc (09022015). Collection method: clinical testing. Allele origin: germline.
Comment: This sequence change replaces threonine, which is neutral and polar, with methionine, which is neutral and non-polar, at codon 279 of the PDLIM3 protein (p.Thr279Met). This variant is present in population databases (rs150070443, gnomAD 0.008%). This variant has not been reported in the literature in individuals affected with PDLIM3-related conditions. ClinVar contains an entry for this variant (Variation ID: 240917). Invitae Evidence Modeling of protein sequence and biophysical properties (such as structural, functional, and spatial information, amino acid conservation, physicochemical variation, residue mobility, and thermodynamic stability) has been performed for this missense variant. However, the output from this modeling did not meet the statistical confidence thresholds required to predict the impact of this variant on PDLIM3 protein function. In summary, the available evidence is currently insufficient to determine the role of this variant in disease. Therefore, it has been classified as a Variant of Uncertain Significance.

Women's Health and Genetics/Laboratory Corporation of America, LabCorp
Classification: Uncertain significance. Last evaluated: 2025-10-21. Review status: criteria provided, single submitter. Criteria: LabCorp Variant Classification Summary - May 2015. Collection method: clinical testing. Allele origin: germline.

Ambry Genetics
Classification: Uncertain significance. Last evaluated: 2024-05-16. Review status: criteria provided, single submitter. Criteria: Ambry Variant Classification Scheme 2023. Collection method: clinical testing. Allele origin: germline.

NM_014476.6(PDLIM3):c.836C>T (p.Thr279Met)

Gene: PDLIM3 (PDZ and LIM domain 3; minus strand). Cytogenetic location: 4q35.1.
Variant type: single nucleotide variant.
Coding change: c.836C>T on transcript NM_014476.6 (MANE Select); coding-DNA position 836, C replaced by T.
Protein change: p.Thr279Met; replaces threonine 279 with methionine.
Molecular consequence: missense variant. On other transcripts: non-coding transcript variant (1).
Genome position (GRCh38, 1-based): chr4:185,504,544, G>A on the plus strand (C>T on the coding strand, the complement: PDLIM3 is on the minus strand). VCF-style: chr4-185504544-G-A. GRCh37 (hg19) VCF-style: chr4-186425698-G-A.
Other names: c.692C>T, p.Thr231Met (NM_001114107.5); c.572C>T, p.Thr191Met (NM_001257962.2); c.335C>T, p.Thr112Met (NM_001257963.2); c.836C>T (NM_014476.4); short protein forms T279M, T112M, T231M, T191M.
Identifiers: ClinVar variation 240917 (VCV000240917.9), dbSNP rs150070443, ClinGen allele CA3159672.